The following is an entry in ClinVar:

NM_020366.4(RPGRIP1):c.191C>T (p.Ser64Phe)

Gene: RPGRIP1 (RPGR interacting protein 1; plus strand). Cytogenetic location: 14q11.2.
Variant type: single nucleotide variant.
Coding change: c.191C>T on transcript NM_020366.4 (MANE Select); coding-DNA position 191, C replaced by T.
Protein change: p.Ser64Phe; replaces serine 64 with phenylalanine.
Molecular consequence: missense variant.
Genome position (GRCh38, 1-based): chr14:21,294,782, C>T. VCF-style: chr14-21294782-C-T. GRCh37 (hg19) VCF-style: chr14-21762941-C-T.
Other names: short protein forms S64F.
Identifiers: ClinVar variation 1030704 (VCV001030704.1), dbSNP rs1880692860, ClinGen allele CA388857859.

ClinVar aggregate classification (germline): Uncertain significance (1 of 4 stars; one submission).

Conditions:
Cone-rod dystrophy 13 (CORD13). Identifiers: Orphanet 1872, MedGen C2750720, MONDO:0011987, OMIM 608194.

Submission:

Baylor Genetics
Classification: Uncertain significance for Cone-rod dystrophy 13. Last evaluated: 2020-09-19. Review status: criteria provided, single submitter. Criteria: ACMG Guidelines, 2015. Collection method: clinical testing. Allele origin: unknown. Affected: yes.
Comment: This variant was determined to be of uncertain significance according to ACMG Guidelines, 2015 [PMID:25741868].